The following is an entry in ClinVar:

ClinVar aggregate classification (germline): Uncertain significance (1 of 4 stars; one submission).

Allele frequency attached by ClinVar (database versions not stated): gnomAD exomes below 0.00001; TOPMed 0.00001; ExAC 0.00002.
gnomAD v4.1: 1 of 1,614,068 alleles (0.000062%); highest among the groups gnomAD compares: East Asian, 0.0022%; no homozygotes.

Submission:

Women's Health and Genetics/Laboratory Corporation of America, LabCorp
Classification: Uncertain significance. Last evaluated: 2023-08-04. Review status: criteria provided, single submitter. Criteria: LabCorp Variant Classification Summary - May 2015. Collection method: clinical testing. Allele origin: germline.
Comment: Variant summary: C3 c.1769G>C (p.Gly590Ala) results in a non-conservative amino acid change located in the alpha-2-macroglobulin, bait region domain (IPR011625) of the encoded protein sequence. Three of five in-silico tools predict a benign effect of the variant on protein function. The variant allele was found at a frequency of 8e-06 in 251472 control chromosomes (gnomAD). The available data on variant occurrences in the general population are insufficient to allow any conclusion about variant significance. To our knowledge, no occurrence of c.1769G>C in individuals affected with C3 Deficiency or other C3-related disorders and no experimental evidence demonstrating its impact on protein function have been reported. No submitters have cited clinical-significance assessments for this variant to ClinVar after 2014. Based on the evidence outlined above, the variant was classified as uncertain significance.

NM_000064.4(C3):c.1769G>C (p.Gly590Ala)

Gene: C3 (complement C3; minus strand). Cytogenetic location: 19p13.3.
Variant type: single nucleotide variant.
Coding change: c.1769G>C on transcript NM_000064.4 (MANE Select); coding-DNA position 1769, G replaced by C.
Protein change: p.Gly590Ala; replaces glycine 590 with alanine.
Molecular consequence: missense variant.
Genome position (GRCh38, 1-based): chr19:6,709,760, C>G on the plus strand (G>C on the coding strand, the complement: C3 is on the minus strand). VCF-style: chr19-6709760-C-G. GRCh37 (hg19) VCF-style: chr19-6709771-C-G.
Other names: short protein forms G590A.
Identifiers: ClinVar variation 2581478 (VCV002581478.1), dbSNP rs759914285, ClinGen allele CA9129337.
Genomic context (GRCh38, chr19:6,709,760, plus strand): 5'-TTGTTCTTCTTATTCAGCACGAACACGCCCTTGTCCACGGCCACCAGTACCACCCGGGCC[C>G]CGTGGTCACCCTCTATCTTCAGGGTCATCTGCTGCCCAGGTACAGGCTGCCGGTCTTCTG-3'
Protein context (NP_000055.2, residues 580-600): QMTLKIEGDH[Gly590Ala]ARVVLVAVDK